The following is an entry in ClinVar:

ClinVar aggregate classification (germline): Pathogenic (1 of 4 stars; one submission).

Submission:

Athena Diagnostics
Classification: Pathogenic. Last evaluated: 2020-01-15. Review status: criteria provided, single submitter. Criteria: Athena Diagnostics Criteria. Collection method: clinical testing. Allele origin: unknown.
Comment: The variant disrupts a canonical splice site, and is therefore predicted to result in the loss of a functional protein. Found in at least one patient with expected phenotype for this gene, and not found in general population data.

NM_000548.5(TSC2):c.4005+1G>C

Gene: TSC2 (TSC complex subunit 2; plus strand). Cytogenetic location: 16p13.3.
Variant type: single nucleotide variant.
Coding change: c.4005+1G>C on transcript NM_000548.5 (MANE Select); the canonical splice donor site of the intron after coding-DNA position 4005, G replaced by C.
Molecular consequence: splice donor variant.
Genome position (GRCh38, 1-based): chr16:2,083,817, G>C. VCF-style: chr16-2083817-G-C. GRCh37 (hg19) VCF-style: chr16-2133818-G-C.
Other names: c.2463+1G>C (NM_001406693.1, NM_001406692.1, NM_001406694.1); c.3897+1G>C (NM_001406667.1); c.3894+1G>C (NM_001406668.1); c.3405+1G>C (NM_001406680.1); c.3336+1G>C (NM_001406683.1, NM_001406682.1); c.3204+1G>C (NM_001406687.1, NM_001406688.1); c.2592+1G>C (NM_001406689.1); c.2532+1G>C (NM_001406690.1); and 26 more.
Identifiers: ClinVar variation 995055 (VCV000995055.1), dbSNP rs45517324, ClinGen allele CA394297880.